The following is an entry in ClinVar:

NM_206937.2(LIG4):c.*1035G>A

Gene: LIG4 (DNA ligase 4; minus strand). Cytogenetic location: 13q33.3.
Variant type: single nucleotide variant.
Coding change: c.*1035G>A on transcript NM_206937.2 (MANE Select); 1035 bases downstream of the stop codon, G replaced by A.
Molecular consequence: 3 prime UTR variant.
Genome position (GRCh38, 1-based): chr13:108,207,498, C>T on the plus strand (G>A on the coding strand, the complement: LIG4 is on the minus strand). VCF-style: chr13-108207498-C-T. GRCh37 (hg19) VCF-style: chr13-108859846-C-T.
Other names: c.*1035G>A (NM_001098268.2, NM_001330595.2, NM_001352598.2 and 8 more transcripts).
Identifiers: ClinVar variation 310948 (VCV000310948.6), dbSNP rs10131, ClinGen allele CA10633806.

ClinVar aggregate classification (germline): Benign. Review status: criteria provided, multiple submitters, no conflicts (2 of 4 stars). 3 submissions from 2 submitters: Benign (3). Last evaluated 2018-01-12.

Conditions:
DNA ligase IV deficiency. Identifiers: Orphanet 99812, MedGen C1847827, MONDO:0011686, OMIM 606593.
Severe combined immunodeficiency due to DCLRE1C deficiency (RS-SCID). Also called: SCID, AUTOSOMAL RECESSIVE, T CELL-NEGATIVE, B CELL-NEGATIVE, NK CELL-POSITIVE, WITH SENSITIVITY TO IONIZING RADIATION. Identifiers: Orphanet 275, MedGen C1865371, MONDO:0011225, OMIM 602450.

Allele frequency attached by ClinVar (database versions not stated): 1000 Genomes Project 30x 0.12601; 1000 Genomes Project 0.12979; gnomAD 0.11700 and 0.11707; TOPMed 0.12401.

Submissions (3):

Illumina Laboratory Services, Illumina
Classification: Benign for Severe combined immunodeficiency due to DCLRE1C deficiency. Last evaluated: 2018-01-12. Review status: criteria provided, single submitter. Criteria: ICSL Variant Classification Criteria 13 December 2019. Collection method: clinical testing. Allele origin: germline.
Comment: This variant was observed in the ICSL laboratory as part of a predisposition screen in an ostensibly healthy population. It had not been previously curated by ICSL or reported in the Human Gene Mutation Database (HGMD: prior to June 1st, 2018), and was therefore a candidate for classification through an automated scoring system. Utilizing variant allele frequency, disease prevalence and penetrance estimates, and inheritance mode, an automated score was calculated to assess if this variant is too frequent to cause the disease. Based on the score and internal cut-off values, a variant classified as benign is not then subjected to further curation. The score for this variant resulted in a classification of benign for this disease.

Illumina Laboratory Services, Illumina
Classification: Benign for DNA ligase IV deficiency. Last evaluated: 2018-01-12. Review status: criteria provided, single submitter. Criteria: ICSL Variant Classification Criteria 13 December 2019. Collection method: clinical testing. Allele origin: germline.
Comment: the same text as in the submission from Illumina Laboratory Services, Illumina above.

Breakthrough Genomics
Classification: Benign. Review status: criteria provided, single submitter. Criteria: ACMG Guidelines, 2015. Collection method: not provided. Allele origin: germline. Inheritance: Autosomal recessive inheritance. Affected: yes.